The following is an entry in ClinVar:

NM_001276270.2(MBD4):c.931A>G (p.Lys311Glu)

Gene: MBD4 (methyl-CpG binding domain 4, DNA glycosylase; minus strand). Cytogenetic location: 3q21.3.
Variant type: single nucleotide variant.
Coding change: c.931A>G on transcript NM_001276270.2 (MANE Select); coding-DNA position 931, A replaced by G.
Protein change: p.Lys311Glu; replaces lysine 311 with glutamic acid.
Molecular consequence: missense variant. On other transcripts: intron variant (1).
Genome position (GRCh38, 1-based): chr3:129,436,713, T>C on the plus strand (A>G on the coding strand, the complement: MBD4 is on the minus strand). VCF-style: chr3-129436713-T-C. GRCh37 (hg19) VCF-style: chr3-129155556-T-C.
Other names: c.931A>G, p.Lys311Glu (NM_001276271.2, NM_001276272.2, NM_003925.3); c.247+1095A>G (NM_001276273.2); short protein forms K311E.
Identifiers: ClinVar variation 4104640 (VCV004104640.1).

ClinVar aggregate classification (germline): Uncertain significance (1 of 4 stars; one submission).

Conditions:
Inborn genetic diseases. Identifiers: MedGen C0950123, MeSH D030342.

Submission:

Ambry Genetics
Classification: Uncertain significance for Inborn genetic diseases. Last evaluated: 2025-08-08. Review status: criteria provided, single submitter. Criteria: Ambry Variant Classification Scheme 2023. Collection method: clinical testing. Allele origin: germline.
Comment: The p.K311E variant (also known as c.931A>G), located in coding exon 3 of the MBD4 gene, results from an A to G substitution at nucleotide position 931. The lysine at codon 311 is replaced by glutamic acid, an amino acid with similar properties. This amino acid position is conserved. In addition, this alteration is predicted to be tolerated by in silico analysis. Based on the available evidence, the clinical significance of this variant remains unclear.